The following is an entry in ClinVar:

NM_178009.5(DGKH):c.1598C>A (p.Thr533Asn)

Gene: DGKH (diacylglycerol kinase eta; plus strand). Cytogenetic location: 13q14.11.
Variant type: single nucleotide variant.
Coding change: c.1598C>A on transcript NM_178009.5 (MANE Select); coding-DNA position 1598, C replaced by A.
Protein change: p.Thr533Asn; replaces threonine 533 with asparagine.
Molecular consequence: missense variant. On other transcripts: non-coding transcript variant (2).
Genome position (GRCh38, 1-based): chr13:42,187,108, C>A. VCF-style: chr13-42187108-C-A. GRCh37 (hg19) VCF-style: chr13-42761244-C-A.
Other names: c.1598C>A, p.Thr533Asn (NM_001204504.3, NM_152910.6); c.1190C>A, p.Thr397Asn (NM_001204505.3, NM_001204506.3); c.863C>A, p.Thr288Asn (NM_001297429.2); short protein forms T288N, T397N, T533N.
Identifiers: ClinVar variation 2643791 (VCV002643791.24), dbSNP rs147914294, ClinGen allele CA6965361.
Genomic context (GRCh38, chr13:42,187,108, plus strand): 5'-GGACGCTATGTGAAACTGTAAAGGACTTCGTTGCCAAAGTAGAAAAGACGTATGACAAAA[C>A]CTTGGAAAATGCCGTTGTAGCTGATGCCGTGGCCAGTAAAGTAAGAGGGGACTCTTCAGG-3'
Protein context (NP_821077.1, residues 523-543): VAKVEKTYDK[Thr533Asn]LENAVVADAV

ClinVar aggregate classification (germline): Likely benign (1 of 4 stars; one submission).

Allele frequency attached by ClinVar (database versions not stated): ESP Exome Variant Server 0.00200; gnomAD 0.00203; TOPMed 0.00225; 1000 Genomes Project 0.00260; 1000 Genomes Project 30x 0.00281; ExAC 0.00305.
gnomAD v4.1: 4,740 of 1,614,050 alleles (0.29%); highest among the groups gnomAD compares: South Asian, 0.68%; 28 homozygotes.

Submission:

CeGaT Center for Human Genetics Tuebingen
Classification: Likely benign. Last evaluated: 2023-04-01. Review status: criteria provided, single submitter. Criteria: CeGaT Center For Human Genetics Tuebingen Variant Classification Criteria Version 2. Collection method: clinical testing. Allele origin: germline. Affected: yes. Observed: 1 variant allele.
Comment: DGKH: BP4, BS2